The following is an entry in ClinVar:

ClinVar aggregate classification (germline): no classifications from unflagged records (0 of 4 stars; one submission).

Conditions:
Non-syndromic intellectual disability. Also called: Mental retardation non-syndromic. Identifiers: MedGen CN280315, MONDO:0000509.

Submission:

Diagnostic Genetics, Severance Hospital, Yonsei University College of Medicine
Classification: Pathogenic for Non-syndromic intellectual disability. Last evaluated: 2022-02-03. Review status: flagged submission. Criteria: ACMG Guidelines, 2015. Collection method: clinical testing. Allele origin: de novo. Affected: yes.
ClinVar note: Notes: Flagging candidate with reason of insufficient supporting evidence. This gene has been classified as having a limited gene-disease relationship by a ClinGen Expert Panel.
ClinVar note: Reason: Other

NM_001382637.1(OTUD7A):c.1251G>A (p.Trp417Ter)

Gene: OTUD7A (OTU deubiquitinase 7A; minus strand). Cytogenetic location: 15q13.3.
Variant type: single nucleotide variant.
Coding change: c.1251G>A on transcript NM_001382637.1 (MANE Select); coding-DNA position 1251, G replaced by A.
Protein change: p.Trp417Ter; replaces tryptophan 417 with a stop codon.
Molecular consequence: nonsense.
Genome position (GRCh38, 1-based): chr15:31,487,487, C>T on the plus strand (G>A on the coding strand, the complement: OTUD7A is on the minus strand). VCF-style: chr15-31487487-C-T. GRCh37 (hg19) VCF-style: chr15-31779690-C-T.
Other names: c.1230G>A, p.Trp410Ter (NM_130901.3); short protein forms W410*, W417*.
Identifiers: ClinVar variation 1803049 (VCV001803049.1), dbSNP rs1194968943, ClinGen allele CA391535489.
Genomic context (GRCh38, chr15:31,487,487, plus strand): 5'-GGAAAGGGACAGAGTAGGATCTTACTGGGCCAGCCGGGCGTTATCGTTGTCGTCTTTCCC[C>T]CACTCCCAGTCCTTGCCAGGGTCCACTGCAAAGTGCAGAGGCAGCAGCTTGTGCTCAGAA-3'